The following is an entry in ClinVar:

ClinVar aggregate classification (germline): Pathogenic (1 of 4 stars; one submission).

Conditions:
Hypertrophic cardiomyopathy. Also called: HYPERTROPHIC MYOCARDIOPATHY. Identifiers: Orphanet 217569, MedGen C0007194, MeSH D002312, MONDO:0005045, HP:0001639.

Submission:

Labcorp Genetics (formerly Invitae), Labcorp
Classification: Pathogenic for Hypertrophic cardiomyopathy. Last evaluated: 2024-10-15. Review status: criteria provided, single submitter. Criteria: Invitae Variant Classification Sherloc (09022015). Collection method: clinical testing. Allele origin: germline.
Comment: This sequence change creates a premature translational stop signal (p.Phe1147*) in the MYBPC3 gene. It is expected to result in an absent or disrupted protein product. Loss-of-function variants in MYBPC3 are known to be pathogenic (PMID: 19574547). This variant is not present in population databases (gnomAD no frequency). This variant has not been reported in the literature in individuals affected with MYBPC3-related conditions. For these reasons, this variant has been classified as Pathogenic.

Literature cited by the submitters: PubMed 19574547.

NM_000256.3(MYBPC3):c.3440_3441del (p.Gly1146_Phe1147insTer)

Gene: MYBPC3 (myosin binding protein C3; minus strand). Cytogenetic location: 11p11.2.
Variant type: Deletion.
Coding change: c.3440_3441del on transcript NM_000256.3 (MANE Select); coding-DNA positions 3440 to 3441, 2 bases deleted (TT; older notation c.3440_3441delTT).
Protein change: p.Gly1146_Phe1147insTer.
Molecular consequence: nonsense.
Genome position (GRCh38, 1-based): chr11:47,332,863-47,332,864, AA deleted on the plus strand (TT on the coding strand, the reverse complement: MYBPC3 is on the minus strand); deleting any 2 consecutive bases within chr11:47,332,863-47,332,865 gives the same sequence; the c. name uses the placement nearest the transcript's 3' end. VCF-style (leftmost placement, unchanged base first): chr11-47332862-TAA-T. GRCh37 (hg19) VCF-style: chr11-47354413-TAA-T.
Identifiers: ClinVar variation 2702173 (VCV002702173.3), dbSNP rs2495738634, ClinGen allele CA2697548543.